The following is an entry in ClinVar:

ClinVar aggregate classification (germline): Pathogenic. Review status: reviewed by expert panel (3 of 4 stars). 3 submissions from 3 submitters: Pathogenic (1). 2 of the submissions do not count toward it. Last evaluated 2016-09-08.

Conditions:
Hereditary cancer-predisposing syndrome. Also called: Hereditary Cancer Syndrome; Neoplastic Syndromes, Hereditary; Tumor predisposition; Hereditary neoplastic syndrome. Identifiers: Orphanet 140162, MedGen C0027672, MeSH D009386, MONDO:0015356.
Breast-ovarian cancer, familial, susceptibility to, 2 (BROVCA2). Also called: BRCA2 Hereditary Breast and Ovarian Cancer. Identifiers: Orphanet 145, MedGen C2675520, MONDO:0012933, OMIM 612555. Disease mechanism: loss of function.

Submissions (3):

Evidence-based Network for the Interpretation of Germline Mutant Alleles (ENIGMA)
Classification: Pathogenic for Breast-ovarian cancer, familial, susceptibility to, 2. Last evaluated: 2016-09-08. Review status: reviewed by expert panel. Criteria: ENIGMA BRCA1/2 Classification Criteria (2015). Collection method: curation. Allele origin: germline.
Comment: Variant allele predicted to encode a truncated non-functional protein.

Ambry Genetics
Classification: Pathogenic for Hereditary cancer-predisposing syndrome. Last evaluated: 2025-01-22. Review status: criteria provided, single submitter. Criteria: Ambry Variant Classification Scheme 2023. Collection method: clinical testing. Allele origin: germline. Not counted in ClinVar's aggregate classification.
Comment: The c.5353delA pathogenic mutation, located in coding exon 10 of the BRCA2 gene, results from a deletion of one nucleotide at nucleotide position 5353, causing a translational frameshift with a predicted alternate stop codon (p.T1785Lfs*6). This variant is considered to be rare based on population cohorts in the Genome Aggregation Database (gnomAD). This alteration is expected to result in loss of function by premature protein truncation or nonsense-mediated mRNA decay. As such, this alteration is interpreted as a disease-causing mutation.

Consortium of Investigators of Modifiers of BRCA1/2 (CIMBA), c/o University of Cambridge
Classification: Pathogenic for Breast-ovarian cancer, familial, susceptibility to, 2. Last evaluated: 2015-10-02. Review status: criteria provided, single submitter. Criteria: CIMBA Mutation Classification guidelines May 2016. Collection method: clinical testing. Allele origin: germline. Not counted in ClinVar's aggregate classification.

NM_000059.4(BRCA2):c.5353del (p.Thr1785fs)

Gene: BRCA2 (BRCA2 DNA repair associated; plus strand). Cytogenetic location: 13q13.1.
Variant type: Deletion.
Coding change: c.5353del on transcript NM_000059.4 (MANE Select); coding-DNA position 5353, one base deleted (A; older notation c.5353delA).
Protein change: p.Thr1785fs; shifts the reading frame from threonine 1785.
Molecular consequence: frameshift variant.
Genome position (GRCh38, 1-based): chr13:32,339,708, A deleted. VCF-style (leftmost placement, unchanged base first): chr13-32339707-CA-C. GRCh37 (hg19) VCF-style: chr13-32913844-CA-C.
Other names: c.5353delA (NM_000059.3).
Identifiers: ClinVar variation 185697 (VCV000185697.8), dbSNP rs786202385, ClinGen allele CA022135.